The following is an entry in ClinVar:

ClinVar aggregate classification (germline): Uncertain significance (1 of 4 stars; one submission).

Submission:

GeneDx
Classification: Uncertain significance. Last evaluated: 2026-02-13. Review status: criteria provided, single submitter. Criteria: GeneDx Variant Classification Process June 2021. Collection method: clinical testing. Allele origin: germline.
Comment: Not observed at significant frequency in large population cohorts (gnomAD); In silico analysis supports that this missense variant has a deleterious effect on protein structure/function; Has not been previously published as pathogenic or benign to our knowledge

NM_001330311.2(DVL1):c.859G>A (p.Gly287Arg)

Gene: DVL1 (dishevelled segment polarity protein 1; minus strand). Cytogenetic location: 1p36.33.
Variant type: single nucleotide variant.
Coding change: c.859G>A on transcript NM_001330311.2 (MANE Select); coding-DNA position 859, G replaced by A.
Protein change: p.Gly287Arg; replaces glycine 287 with arginine.
Molecular consequence: missense variant.
Genome position (GRCh38, 1-based): chr1:1,340,088, C>T on the plus strand (G>A on the coding strand, the complement: DVL1 is on the minus strand). VCF-style: chr1-1340088-C-T. GRCh37 (hg19) VCF-style: chr1-1275468-C-T.
Other names: c.859G>A, p.Gly287Arg (NM_004421.3); short protein forms G287R.
Identifiers: ClinVar variation 4975179 (VCV004975179.1).